The following is an entry in ClinVar:

ClinVar aggregate classification (germline): Uncertain significance (1 of 4 stars; one submission).

Allele frequency attached by ClinVar (database versions not stated): gnomAD exomes below 0.00001 and 0.00001.
gnomAD v4.1: 2 of 1,510,108 alleles (0.00013%); highest among the groups gnomAD compares: Admixed American, 0.002%; no homozygotes.

Submission:

Labcorp Genetics (formerly Invitae), Labcorp
Classification: Uncertain significance. Last evaluated: 2021-10-10. Review status: criteria provided, single submitter. Criteria: Invitae Variant Classification Sherloc (09022015). Collection method: clinical testing. Allele origin: germline.
Comment: In summary, the available evidence is currently insufficient to determine the role of this variant in disease. Therefore, it has been classified as a Variant of Uncertain Significance. Algorithms developed to predict the effect of missense changes on protein structure and function are either unavailable or do not agree on the potential impact of this missense change (SIFT: "Deleterious"; PolyPhen-2: "Probably Damaging"; Align-GVGD: "Class C0"). This variant has not been reported in the literature in individuals affected with ADGRV1-related conditions. This variant is not present in population databases (ExAC no frequency). This sequence change replaces asparagine with isoleucine at codon 164 of the ADGRV1 protein (p.Asn164Ile). The asparagine residue is moderately conserved and there is a large physicochemical difference between asparagine and isoleucine.

NM_032119.4(ADGRV1):c.491A>T (p.Asn164Ile)

Gene: ADGRV1 (adhesion G protein-coupled receptor V1; plus strand). Cytogenetic location: 5q14.3.
Variant type: single nucleotide variant.
Coding change: c.491A>T on transcript NM_032119.4 (MANE Select); coding-DNA position 491, A replaced by T.
Protein change: p.Asn164Ile; replaces asparagine 164 with isoleucine.
Molecular consequence: missense variant. On other transcripts: non-coding transcript variant (1).
Genome position (GRCh38, 1-based): chr5:90,622,634, A>T. VCF-style: chr5-90622634-A-T. GRCh37 (hg19) VCF-style: chr5-89918451-A-T.
Other names: short protein forms N164I.
Identifiers: ClinVar variation 1431202 (VCV001431202.6), dbSNP rs1187871746, ClinGen allele CA360363165.